The following is an entry in ClinVar:

ClinVar aggregate classification (germline): Conflicting classifications of pathogenicity. Review status: criteria provided, conflicting classifications (1 of 4 stars). 3 submissions from 3 submitters: Uncertain significance (2); Likely benign (1). Last evaluated 2026-01-02.

Conditions:
Mitochondrial DNA depletion syndrome 9 (MTDPS9). Also called: SUCLG1-Related Mitochondrial DNA Depletion Syndrome, Encephalomyopathic Form with Methylmalonic Aciduria. Identifiers: Orphanet 17, MedGen C3151476, MONDO:0009504, OMIM 245400.

Allele frequency attached by ClinVar (database versions not stated): ESP Exome Variant Server 0.00015; gnomAD exomes 0.00017 and 0.00009; gnomAD 0.00015 and 0.00014; TOPMed 0.00011; ExAC 0.00016.
gnomAD v4.1: 157 of 1,614,034 alleles (0.0097%); highest among the groups gnomAD compares: Middle Eastern, 0.016%; no homozygotes.

Submissions (3):

Labcorp Genetics (formerly Invitae), Labcorp
Classification: Likely benign for Mitochondrial DNA depletion syndrome 9. Last evaluated: 2026-01-02. Review status: criteria provided, single submitter. Criteria: Invitae Variant Classification Sherloc (09022015). Collection method: clinical testing. Allele origin: germline.

GeneDx
Classification: Uncertain significance. Last evaluated: 2025-09-05. Review status: criteria provided, single submitter. Criteria: GeneDx Variant Classification Process June 2021. Collection method: clinical testing. Allele origin: germline.
Comment: In silico analysis supports that this missense variant has a deleterious effect on protein structure/function; Has not been previously published as pathogenic or benign to our knowledge

Illumina Laboratory Services, Illumina
Classification: Uncertain significance for Mitochondrial DNA depletion syndrome 9. Last evaluated: 2018-01-12. Review status: criteria provided, single submitter. Criteria: ICSL Variant Classification Criteria 13 December 2019. Collection method: clinical testing. Allele origin: germline.

NM_003849.4(SUCLG1):c.395C>G (p.Ala132Gly)

Gene: SUCLG1 (succinate-CoA ligase GDP/ADP-forming subunit alpha; minus strand). Cytogenetic location: 2p11.2.
Variant type: single nucleotide variant.
Coding change: c.395C>G on transcript NM_003849.4 (MANE Select); coding-DNA position 395, C replaced by G.
Protein change: p.Ala132Gly; replaces alanine 132 with glycine.
Molecular consequence: missense variant.
Genome position (GRCh38, 1-based): chr2:84,441,383, G>C on the plus strand (C>G on the coding strand, the complement: SUCLG1 is on the minus strand). VCF-style: chr2-84441383-G-C. GRCh37 (hg19) VCF-style: chr2-84668507-G-C.
Other names: short protein forms A132G.
Identifiers: ClinVar variation 337156 (VCV000337156.15), dbSNP rs376171433, ClinGen allele CA1736314.